The following is an entry in ClinVar:

ClinVar aggregate classification (germline): Pathogenic. Review status: criteria provided, single submitter (1 of 4 stars). 2 submissions from 2 submitters: Pathogenic (1). 1 of the submissions does not count toward it. Last evaluated 2024-07-23.

Conditions:
Developmental and epileptic encephalopathy, 42 (DEE42A). Also called: Epileptic encephalopathy, early infantile, 42; DEVELOPMENTAL AND EPILEPTIC ENCEPHALOPATHY 42A; EPILEPTIC ENCEPHALOPATHY, EARLY INFANTILE, 42A. Identifiers: MedGen C4310716, MONDO:0014917, OMIM 617106.
Episodic ataxia type 2 (EA2). Also called: ACETAZOLAMIDE-RESPONSIVE HEREDITARY PAROXYSMAL CEREBELLAR ATAXIA; ATAXIA, EPISODIC, WITH NYSTAGMUS; ATAXIA, FAMILIAL PAROXYSMAL; CEREBELLAR ATAXIA, PAROXYSMAL, ACETAZOLAMIDE-RESPONSIVE; CEREBELLOPATHY, HEREDITARY PAROXYSMAL; EPISODIC ATAXIA, NYSTAGMUS-ASSOCIATED. Identifiers: Orphanet 97, MedGen C1720416, MONDO:0007163, OMIM 108500.
Inborn genetic diseases. Identifiers: MedGen C0950123, MeSH D030342.

Submissions (2):

Ambry Genetics
Classification: Pathogenic for Inborn genetic diseases. Last evaluated: 2024-07-23. Review status: criteria provided, single submitter. Criteria: Ambry Variant Classification Scheme 2023. Collection method: clinical testing. Allele origin: germline.
Comment: The c.3094_3097delGAGA (p.E1032Tfs*37) alteration, located in exon 20 (coding exon 20) of the CACNA1A gene, consists of a deletion of 4 nucleotides from position 3094 to 3097, causing a translational frameshift with a predicted alternate stop codon after 37 amino acids. This alteration is expected to result in loss of function by premature protein truncation or nonsense-mediated mRNA decay. for episodic ataxia type 2; however, its clinical significance for CACNA1A-related neurologic disorder is uncertain, and it is unlikely to be causative of CACNA1A-related spinocerebellar ataxia. This variant was not reported in population-based cohorts in the Genome Aggregation Database (gnomAD). Based on the available evidence, this alteration is classified as pathogenic.

Clinical Genetics Laboratory, University Hospital Schleswig-Holstein
Classification: Pathogenic for Episodic ataxia type 2; Developmental and epileptic encephalopathy, 42. Last evaluated: 2023-03-01. Review status: no assertion criteria provided. Collection method: clinical testing. Allele origin: de novo. Affected: yes. Not counted in ClinVar's aggregate classification.

NM_001127222.2(CACNA1A):c.3091_3094del

Gene: CACNA1A (calcium voltage-gated channel subunit alpha1 A; minus strand). Cytogenetic location: 19p13.13.
Variant type: Microsatellite.
Coding change: c.3091_3094del on transcript NM_001127222.2 (MANE Select); coding-DNA positions 3091 to 3094, 4 bases deleted (GAGA; older notation c.3091_3094delGAGA).
Molecular consequence: splice acceptor variant.
Genome position (GRCh38, 1-based): chr19:13,286,962-13,286,965, TCTC deleted on the plus strand (GAGA on the coding strand, the reverse complement: CACNA1A is on the minus strand); deleting any 4 consecutive bases within chr19:13,286,962-13,286,968 gives the same sequence; the c. name uses the placement nearest the transcript's 3' end. VCF-style (leftmost placement, unchanged base first): chr19-13286961-TTCTC-T. GRCh37 (hg19) VCF-style: chr19-13397775-TTCTC-T.
Other names: c.3094_3097delGAGA (NM_001127221.1).
Identifiers: ClinVar variation 3066035 (VCV003066035.2), dbSNP rs2512858528, ClinGen allele CA2740097984.